The following is an entry in ClinVar:

NM_000092.5(COL4A4):c.4334-44_4334-6del

Gene: COL4A4 (collagen type IV alpha 4 chain; minus strand). Cytogenetic location: 2q36.3.
Variant type: Deletion.
Coding change: c.4334-44_4334-6del on transcript NM_000092.5 (MANE Select); 44 bases into the intron before coding-DNA position 4334 through 6 bases into the intron before coding-DNA position 4334, 39 bases deleted.
Molecular consequence: intron variant.
Genome position (GRCh38, 1-based): chr2:227,010,507-227,010,545, 39 bases deleted; deleting any 39 consecutive bases within chr2:227,010,507-227,010,547 gives the same sequence; the c. name uses the placement nearest the transcript's 3' end. GRCh37 (hg19): chr2:227,875,225-227,875,263.
Identifiers: ClinVar variation 3376724 (VCV003376724.1).

ClinVar aggregate classification (germline): Uncertain significance (1 of 4 stars; one submission).

Conditions:
Alport syndrome. Also called: Hemorrhagic familial nephritis; Hemorrhagic hereditary nephritis; Congenital hereditary hematuria. Identifiers: Orphanet 63, MedGen C1567741, MONDO:0018965.

Submission:

Victorian Clinical Genetics Services, Murdoch Childrens Research Institute
Classification: Uncertain significance for Alport syndrome. Last evaluated: 2023-07-17. Review status: criteria provided, single submitter. Criteria: ACMG Guidelines, 2015. Collection method: clinical testing. Allele origin: germline. Affected: yes.
Comment: Based on the classification scheme VCGS_Germline_v1.3.4, this variant is classified as VUS-3B. Following criteria are met: 0103 - Loss of function is a known mechanism of disease for this gene and is associated with Alport syndrome. Dominant negative is a suspected mechanism of disease for this gene as it is a structural protein (PMIDs: 12028435, 24046192). (I) 0108 - This gene is associated with both recessive and dominant disease. Alport syndrome typically has biallelic inheritance, although rare cases of monoallelic inheritance have been reported (PMID: 28704582). Thin basement membrane nephropathy (TBMN) and focal segmental glomerulosclerosis (FSGS) are associated with autosomal dominant inheritance (OMIM, PMIDs: 16467446, 17942953). (I) 0212 - Non-canonical splice site variant without proven consequence on splicing (no functional evidence available). (SP) 0251 - This variant is heterozygous. (I) 0301 - Variant is absent from gnomAD (both v2 and v3). (SP) 0505 - Abnormal splicing is predicted by in silico tools however the affected nucleotides are lowly conserved. (I) 0704 - Another intronic variant comparable to the one identified in this case has limited previous evidence for pathogenicity. This deep intronic variant (c.4334-23A>G has been reported as likely pathogenic (ClinVar) and observed in a compound heterozygous and homozygous individual with chronic kidney disease (PMID: 33532864, 9792860). (SP) 0807 - This variant has no previous evidence of pathogenicity. (I) 0905 - No published segregation evidence has been identified for this variant. (I) 1007 - No published functional evidence has been identified for this variant. (I) Legend: (SP) - Supporting pathogenic, (I) - Information, (SB) - Supporting benign

Literature cited by the submitters: PubMed 9792860; PubMed 12028435; PubMed 16467446; PubMed 17942953; PubMed 24046192; PubMed 28704582; PubMed 33532864.